The following is an entry in ClinVar:

NM_001931.5(DLAT):c.205C>A (p.Pro69Thr)

Gene: DLAT (dihydrolipoamide S-acetyltransferase; plus strand). Cytogenetic location: 11q23.1.
Variant type: single nucleotide variant.
Coding change: c.205C>A on transcript NM_001931.5 (MANE Select); coding-DNA position 205, C replaced by A.
Protein change: p.Pro69Thr; replaces proline 69 with threonine.
Molecular consequence: missense variant. On other transcripts: 5 prime UTR variant (1), non-coding transcript variant (1), intron variant (1).
Genome position (GRCh38, 1-based): chr11:112,025,677, C>A. VCF-style: chr11-112025677-C-A. GRCh37 (hg19) VCF-style: chr11-111896401-C-A.
Other names: c.205C>A, p.Pro69Thr (NM_001372031.1, NM_001372032.1, NM_001372033.1 and 6 more transcripts); c.164C>A, p.Ala55Asp (NM_001372036.1); c.-262C>A (NM_001372042.1); c.111+53C>A (NM_001372037.1); short protein forms A55D, P69T.
Identifiers: ClinVar variation 3708338 (VCV003708338.2).
Genomic context (GRCh38, chr11:112,025,677, plus strand): 5'-ACTACAGGGTATGGCGGGGTCCGGGCACTGTGCGGCTGGACCCCCAGTTCTGGGGCCACG[C>A]CGCGGAACCGCTTACTGCTGCAGCTTTTGGGGTCGCCCGGCCGCCGCTATTACAGTCTTC-3'
Protein context (NP_001922.2, residues 59-79): CGWTPSSGAT[Pro69Thr]RNRLLLQLLG

ClinVar aggregate classification (germline): Uncertain significance (1 of 4 stars; one submission).

Conditions:
Pyruvate dehydrogenase E2 deficiency (PDHDD). Also called: Dihydrolipoamide Acetyltransferase (E2) Deficiency; LACTIC ACIDEMIA DUE TO DEFECT OF E2 LIPOYL TRANSACETYLASE OF THE PYRUVATE DEHYDROGENASE COMPLEX. Identifiers: Orphanet 765, Orphanet 79244, MedGen C1855565, MONDO:0009502, OMIM 245348.

gnomAD v4.1: 34 of 1,612,978 alleles (0.0021%); highest among the groups gnomAD compares: Non-Finnish European, 0.0022%; no homozygotes.

Submission:

Labcorp Genetics (formerly Invitae), Labcorp
Classification: Uncertain significance for Pyruvate dehydrogenase E2 deficiency. Last evaluated: 2025-01-13. Review status: criteria provided, single submitter. Criteria: Invitae Variant Classification Sherloc (09022015). Collection method: clinical testing. Allele origin: germline.
Comment: This sequence change replaces proline, which is neutral and non-polar, with threonine, which is neutral and polar, at codon 69 of the DLAT protein (p.Pro69Thr). This variant is present in population databases (rs782410431, gnomAD 0.008%). This variant has not been reported in the literature in individuals affected with DLAT-related conditions. Invitae Evidence Modeling of protein sequence and biophysical properties (such as structural, functional, and spatial information, amino acid conservation, physicochemical variation, residue mobility, and thermodynamic stability) indicates that this missense variant is not expected to disrupt DLAT protein function with a negative predictive value of 95%. In summary, the available evidence is currently insufficient to determine the role of this variant in disease. Therefore, it has been classified as a Variant of Uncertain Significance.